The following is an entry in ClinVar:

ClinVar aggregate classification (germline): Likely pathogenic. Review status: criteria provided, multiple submitters, no conflicts (2 of 4 stars). 4 submissions from 4 submitters: Likely pathogenic (3). 1 of the submissions does not count toward it. Last evaluated 2025-09-11.

Conditions:
MEDNIK syndrome (MEDNIK). Also called: ERYTHROKERATODERMIA VARIABILIS, KAMOURASKA TYPE. Identifiers: Orphanet 171851, MedGen C1836330, MONDO:0012251, OMIM 609313.

Submissions (4):

GeneDx
Classification: Likely pathogenic. Last evaluated: 2025-09-11. Review status: criteria provided, single submitter. Criteria: GeneDx Variant Classification Process June 2021. Collection method: clinical testing. Allele origin: germline. Affected: yes.
Comment: Frameshift variant predicted to result in abnormal protein length as the last 37 amino acid(s) are replaced with 17 different amino acid(s); This variant is associated with the following publications: (PMID: 23423674, 30244301)

Fulgent Genetics
Classification: Likely pathogenic for MEDNIK syndrome. Last evaluated: 2024-04-02. Review status: criteria provided, single submitter. Criteria: ACMG Guidelines, 2015. Collection method: clinical testing. Allele origin: germline.

Labcorp Genetics (formerly Invitae), Labcorp
Classification: Likely pathogenic. Last evaluated: 2023-10-08. Review status: criteria provided, single submitter. Criteria: Invitae Variant Classification Sherloc (09022015). Collection method: clinical testing. Allele origin: germline.
Comment: This sequence change creates a premature translational stop signal (p.Asp122Glyfs*18) in the AP1S1 gene. While this is not anticipated to result in nonsense mediated decay, it is expected to disrupt the last 37 amino acid(s) of the AP1S1 protein. The frequency data for this variant in the population databases is considered unreliable, as metrics indicate poor data quality at this position in the gnomAD database. This premature translational stop signal has been observed in individuals with MEDNIK syndrome (PMID: 23423674, 30244301). This variant is also known as c.356_365insG. ClinVar contains an entry for this variant (Variation ID: 503720). Studies have shown that this premature translational stop signal alters AP1S1 gene expression (PMID: 23423674). In summary, the currently available evidence indicates that the variant is pathogenic, but additional data are needed to prove that conclusively. Therefore, this variant has been classified as Likely Pathogenic.

OMIM
Classification: Pathogenic for MEDNIK SYNDROME. Last evaluated: 2022-12-20. Review status: no assertion criteria provided. Collection method: literature only. Allele origin: germline. Not counted in ClinVar's aggregate classification.

Literature cited by the submitters: PubMed 23423674 (cited by Labcorp Genetics (formerly Invitae), Labcorp and OMIM); PubMed 30244301 (cited by Labcorp Genetics (formerly Invitae), Labcorp and OMIM).

NM_001283.5(AP1S1):c.364dup (p.Asp122fs)

Gene: AP1S1 (adaptor related protein complex 1 subunit sigma 1; plus strand). Cytogenetic location: 7q22.1.
Variant type: Duplication.
Coding change: c.364dup on transcript NM_001283.5 (MANE Select); coding-DNA position 364, one base duplicated (G; older notation c.364dupG).
Protein change: p.Asp122fs; shifts the reading frame from aspartic acid 122.
Molecular consequence: frameshift variant.
Genome position (GRCh38, 1-based): chr7:101,159,131, G duplicated; the last of 8 consecutive G bases (chr7:101,159,124-101,159,131); duplicating any one gives the same sequence. VCF-style (leftmost placement, unchanged base first): chr7-101159123-T-TG. GRCh37 (hg19) VCF-style: chr7-100802404-T-TG.
Other names: c.364dupG (NM_001283.3); short protein forms D122fs.
Identifiers: ClinVar variation 503720 (VCV000503720.12), dbSNP rs767358930, ClinGen allele CA4405984.